The following is an entry in ClinVar:

ClinVar aggregate classification (germline): Uncertain significance (1 of 4 stars; one submission).

Allele frequency attached by ClinVar (database versions not stated): TOPMed 0.00001.

Submission:

Ambry Genetics
Classification: Uncertain significance. Last evaluated: 2022-05-26. Review status: criteria provided, single submitter. Criteria: Ambry Variant Classification Scheme 2023. Collection method: clinical testing. Allele origin: germline.
Comment: The p.S1342P variant (also known as c.4024T>C), located in coding exon 4 of the ALPK2 gene, results from a T to C substitution at nucleotide position 4024. The serine at codon 1342 is replaced by proline, an amino acid with similar properties. This amino acid position is conserved. In addition, this alteration is predicted to be tolerated by in silico analysis. Since supporting evidence is limited at this time, the clinical significance of this alteration remains unclear.

NM_052947.4(ALPK2):c.4024T>C (p.Ser1342Pro)

Genes: ALPK2 (alpha kinase 2; minus strand), LOC126862764 (BRD4-independent group 4 enhancer GRCh37_chr18:56202574-56203773; plus strand). Cytogenetic location: 18q21.31.
Variant type: single nucleotide variant.
Coding change: c.4024T>C on transcript NM_052947.4 (MANE Select); coding-DNA position 4024, T replaced by C.
Protein change: p.Ser1342Pro; replaces serine 1342 with proline.
Molecular consequence: missense variant.
Genome position (GRCh38, 1-based): chr18:58,536,163, A>G on the plus strand (T>C on the coding strand, the complement: ALPK2 is on the minus strand). VCF-style: chr18-58536163-A-G. GRCh37 (hg19) VCF-style: chr18-56203395-A-G.
Other names: short protein forms S1342P.
Identifiers: ClinVar variation 1737135 (VCV001737135.2), dbSNP rs1479345028, ClinGen allele CA402564718.
Genomic context (GRCh38, chr18:58,536,163, plus strand): 5'-CAGAAGCCGCTGACAGTGAATCTGTGACAGATAACTCCTTTTCATCTACAGGGTCCACGG[A>G]TGACTCCAGGAGTCTGGGTTGGCTGAAACCCCGGGAAGAAAGACTTCTCCAATGTACACT-3'
Protein context (NP_443179.3, residues 1332-1352): GFSQPRLLES[Ser1342Pro]VDPVDEKELS